The following is an entry in ClinVar:

NM_001711.6(BGN):c.676+6A>G

Gene: BGN (biglycan; plus strand). Cytogenetic location: Xq28.
Variant type: single nucleotide variant.
Coding change: c.676+6A>G on transcript NM_001711.6 (MANE Select); 6 bases into the intron after coding-DNA position 676, A replaced by G.
Molecular consequence: intron variant.
Genome position (GRCh38, 1-based): chrX:153,506,645, A>G. VCF-style: chrX-153506645-A-G. GRCh37 (hg19) VCF-style: chrX-152772103-A-G.
Identifiers: ClinVar variation 2811418 (VCV002811418.3), dbSNP rs2521217922, ClinGen allele CA2579727840.

ClinVar aggregate classification (germline): Uncertain significance (1 of 4 stars; one submission).

Submission:

Labcorp Genetics (formerly Invitae), Labcorp
Classification: Uncertain significance. Last evaluated: 2022-11-01. Review status: criteria provided, single submitter. Criteria: Invitae Variant Classification Sherloc (09022015). Collection method: clinical testing. Allele origin: germline.
Comment: This sequence change falls in intron 5 of the BGN gene. It does not directly change the encoded amino acid sequence of the BGN protein. It affects a nucleotide within the consensus splice site. In summary, the available evidence is currently insufficient to determine the role of this variant in disease. Therefore, it has been classified as a Variant of Uncertain Significance. Variants that disrupt the consensus splice site are a relatively common cause of aberrant splicing (PMID: 17576681, 9536098). Algorithms developed to predict the effect of sequence changes on RNA splicing suggest that this variant is not likely to affect RNA splicing. This variant has not been reported in the literature in individuals affected with BGN-related conditions. This variant is not present in population databases (gnomAD no frequency).

Literature cited by the submitters: PubMed 17576681; PubMed 9536098.